The following is an entry in ClinVar:

ClinVar aggregate classification (germline): Likely benign. Review status: criteria provided, multiple submitters, no conflicts (2 of 4 stars). 4 submissions from 4 submitters: Likely benign (4). Last evaluated 2025-11-17.

Conditions:
Episodic ataxia type 2 (EA2). Also called: ACETAZOLAMIDE-RESPONSIVE HEREDITARY PAROXYSMAL CEREBELLAR ATAXIA; ATAXIA, EPISODIC, WITH NYSTAGMUS; ATAXIA, FAMILIAL PAROXYSMAL; CEREBELLAR ATAXIA, PAROXYSMAL, ACETAZOLAMIDE-RESPONSIVE; CEREBELLOPATHY, HEREDITARY PAROXYSMAL; EPISODIC ATAXIA, NYSTAGMUS-ASSOCIATED. Identifiers: Orphanet 97, MedGen C1720416, MONDO:0007163, OMIM 108500.
Developmental and epileptic encephalopathy, 42 (DEE42A). Also called: Epileptic encephalopathy, early infantile, 42; DEVELOPMENTAL AND EPILEPTIC ENCEPHALOPATHY 42A; EPILEPTIC ENCEPHALOPATHY, EARLY INFANTILE, 42A. Identifiers: MedGen C4310716, MONDO:0014917, OMIM 617106.

Allele frequency attached by ClinVar (database versions not stated): gnomAD exomes 0.00005 and 0.00012; TOPMed 0.00008; gnomAD 0.00011 and 0.00012; ExAC 0.00022.
gnomAD v4.1: 80 of 1,428,850 alleles (0.0056%); highest among the groups gnomAD compares: Non-Finnish European, 0.007%; no homozygotes.

Submissions (4):

Labcorp Genetics (formerly Invitae), Labcorp
Classification: Likely benign for Developmental and epileptic encephalopathy, 42; Episodic ataxia type 2. Last evaluated: 2025-11-17. Review status: criteria provided, single submitter. Criteria: Invitae Variant Classification Sherloc (09022015). Collection method: clinical testing. Allele origin: germline.

Blueprint Genetics
Classification: Likely benign. Last evaluated: 2024-09-12. Review status: criteria provided, single submitter. Criteria: ACMG Guidelines, 2015. Collection method: clinical testing. Allele origin: germline.

ARUP Laboratories, Molecular Genetics and Genomics, ARUP Laboratories
Classification: Likely benign. Last evaluated: 2023-10-09. Review status: criteria provided, single submitter. Criteria: ARUP Molecular Germline Variant Investigation Process 2024. Collection method: clinical testing. Allele origin: germline.

GeneDx
Classification: Likely benign. Last evaluated: 2018-01-26. Review status: criteria provided, single submitter. Criteria: GeneDx Variant Classification (06012015). Collection method: clinical testing. Allele origin: germline. Affected: yes.
Comment: This variant is considered likely benign or benign based on one or more of the following criteria: it is a conservative change, it occurs at a poorly conserved position in the protein, it is predicted to be benign by multiple in silico algorithms, and/or has population frequency not consistent with disease.

NM_001127222.2(CACNA1A):c.6526+11C>G

Gene: CACNA1A (calcium voltage-gated channel subunit alpha1 A; minus strand). Cytogenetic location: 19p13.13.
Variant type: single nucleotide variant.
Coding change: c.6526+11C>G on transcript NM_001127222.2 (MANE Select); 11 bases into the intron after coding-DNA position 6526, C replaced by G.
Molecular consequence: intron variant.
Genome position (GRCh38, 1-based): chr19:13,209,301, G>C on the plus strand (C>G on the coding strand, the complement: CACNA1A is on the minus strand). VCF-style: chr19-13209301-G-C. GRCh37 (hg19) VCF-style: chr19-13320115-G-C.
Other names: c.6529+11C>G (NM_001127221.2); c.6535+11C>G (NM_001174080.2); c.6544+11C>G (NM_000068.4, NM_023035.3).
Identifiers: ClinVar variation 386754 (VCV000386754.11), dbSNP rs767916527, ClinGen allele CA9239338.
Genomic context (GRCh38, chr19:13,209,301, plus strand): 5'-TCCGCCCTGCCTTCTCCTCCCCTCTCCTCTCCTCTGTTCTGCTTGTCCCTGAGCACCACA[G>C]GGCTGCCCACCTGTGTCCACATCGGTGTAGCGGCCCAGGGAGCGCTCAGAGGCGCGGTGG-3'